The following is an entry in ClinVar:

ClinVar aggregate classification (germline): Likely benign (1 of 4 stars; one submission).

gnomAD v4.1: 1,145 of 1,225,472 alleles (0.093%); highest among the groups gnomAD compares: Non-Finnish European, 0.11%; no homozygotes.

Submission:

CeGaT Center for Human Genetics Tuebingen
Classification: Likely benign. Last evaluated: 2025-06-01. Review status: criteria provided, single submitter. Criteria: CeGaT Center For Human Genetics Tuebingen Variant Classification Criteria Version 2. Collection method: clinical testing. Allele origin: germline. Affected: yes. Observed: 1 variant allele.
Comment: FBRSL1: BS1

NM_001382741.1(FBRSL1):c.1418C>T (p.Pro473Leu)

Gene: FBRSL1 (fibrosin like 1; plus strand). Cytogenetic location: 12q24.33.
Variant type: single nucleotide variant.
Coding change: c.1418C>T on transcript NM_001382741.1 (MANE Plus Clinical); coding-DNA position 1418, C replaced by T.
Protein change: p.Pro473Leu; replaces proline 473 with leucine.
Molecular consequence: missense variant. On other transcripts: non-coding transcript variant (1), intron variant (5).
Genome position (GRCh38, 1-based): chr12:132,510,094, C>T. VCF-style: chr12-132510094-C-T. GRCh37 (hg19) VCF-style: chr12-133086680-C-T.
Other names: c.1121C>T, p.Pro374Leu (NM_001382742.1); c.489+1744C>T (NM_001367871.1, NM_001382739.1, NM_001142641.2 and 2 more transcripts); short protein forms P374L, P473L.
Identifiers: ClinVar variation 4084579 (VCV004084579.8).